The following is an entry in ClinVar:

ClinVar aggregate classification (germline): Uncertain significance (1 of 4 stars; one submission).

Conditions:
Developmental and epileptic encephalopathy, 1 (DEE1). Also called: Tonic spasms with clustering, arrest of psychomotor development and hypsarrhythmia on EEG; X-Linked Infantile Spasm Syndrome; X-linked infantile spasms; West's syndrome; OHTAHARA SYNDROME, X-LINKED; Epileptic encephalopathy, early infantile, 1. Identifiers: MedGen C3463992, MONDO:0010632, OMIM 308350. Disease mechanism: loss of function.
Autosomal recessive spinocerebellar ataxia 12. Also called: SPINOCEREBELLAR ATAXIA WITH MENTAL RETARDATION AND EPILEPSY. Identifiers: Orphanet 284282, MedGen C3280452, MONDO:0013687, OMIM 614322.

Allele frequency attached by ClinVar (database versions not stated): gnomAD exomes below 0.00001; TOPMed below 0.00001.
gnomAD v4.1: 1 of 1,614,108 alleles (0.000062%); highest among the groups gnomAD compares: East Asian, 0.0022%; no homozygotes.

Submission:

Labcorp Genetics (formerly Invitae), Labcorp
Classification: Uncertain significance for Developmental and epileptic encephalopathy, 1; Autosomal recessive spinocerebellar ataxia 12. Last evaluated: 2022-08-31. Review status: criteria provided, single submitter. Criteria: Invitae Variant Classification Sherloc (09022015). Collection method: clinical testing. Allele origin: germline.
Comment: In summary, the available evidence is currently insufficient to determine the role of this variant in disease. Therefore, it has been classified as a Variant of Uncertain Significance. Algorithms developed to predict the effect of missense changes on protein structure and function are either unavailable or do not agree on the potential impact of this missense change (SIFT: "Not Available"; PolyPhen-2: "Probably Damaging"; Align-GVGD: "Not Available"). ClinVar contains an entry for this variant (Variation ID: 1022041). This variant has not been reported in the literature in individuals affected with WWOX-related conditions. This variant is not present in population databases (gnomAD no frequency). This sequence change replaces alanine, which is neutral and non-polar, with valine, which is neutral and non-polar, at codon 149 of the WWOX protein (p.Ala149Val).

NM_016373.4(WWOX):c.446C>T (p.Ala149Val)

Gene: WWOX (WW domain containing oxidoreductase; plus strand). Cytogenetic location: 16q23.1.
Variant type: single nucleotide variant.
Coding change: c.446C>T on transcript NM_016373.4 (MANE Select); coding-DNA position 446, C replaced by T.
Protein change: p.Ala149Val; replaces alanine 149 with valine.
Molecular consequence: missense variant. On other transcripts: non-coding transcript variant (1).
Genome position (GRCh38, 1-based): chr16:78,164,219, C>T. VCF-style: chr16-78164219-C-T. GRCh37 (hg19) VCF-style: chr16-78198116-C-T.
Other names: c.107C>T, p.Ala36Val (NM_001291997.2); c.446C>T, p.Ala149Val (NM_130791.5); short protein forms A149V, A36V.
Identifiers: ClinVar variation 1022041 (VCV001022041.9), dbSNP rs1024835941, ClinGen allele CA284506272.